The following is an entry in ClinVar:

ClinVar aggregate classification (germline): Pathogenic (1 of 4 stars; one submission).

Conditions:
Hereditary cancer-predisposing syndrome. Also called: Neoplastic Syndromes, Hereditary; Tumor predisposition; Hereditary Cancer Syndrome; Hereditary neoplastic syndrome. Identifiers: Orphanet 140162, MedGen C0027672, MeSH D009386, MONDO:0015356.

Submission:

Ambry Genetics
Classification: Pathogenic for Hereditary cancer-predisposing syndrome. Last evaluated: 2026-01-06. Review status: criteria provided, single submitter. Criteria: Ambry Variant Classification Scheme 2023. Collection method: clinical testing. Allele origin: germline.
Comment: The c.1274delC pathogenic mutation, located in coding exon 11 of the CHEK2 gene, results from a deletion of one nucleotide at nucleotide position 1274, causing a translational frameshift with a predicted alternate stop codon (p.P425Hfs*12). This variant is considered to be rare based on population cohorts in the Genome Aggregation Database (gnomAD). This alteration is expected to result in loss of function by premature protein truncation or nonsense-mediated mRNA decay. As such, this alteration is interpreted as a disease-causing mutation.

NM_007194.4(CHEK2):c.1274del (p.Pro425fs)

Gene: CHEK2 (checkpoint kinase 2; minus strand). Cytogenetic location: 22q12.1.
Variant type: Deletion.
Coding change: c.1274del on transcript NM_007194.4 (MANE Select); coding-DNA position 1274, one base deleted (C; older notation c.1274delC).
Protein change: p.Pro425fs; shifts the reading frame from proline 425.
Molecular consequence: frameshift variant.
Genome position (GRCh38, 1-based): chr22:28,695,228, G deleted on the plus strand (C on the coding strand, the reverse complement: CHEK2 is on the minus strand); the first of 2 consecutive G bases (chr22:28,695,228-28,695,229); deleting either gives the same sequence. VCF-style (leftmost placement, unchanged base first): chr22-28695227-TG-T. GRCh37 (hg19) VCF-style: chr22-29091215-TG-T.
Other names: c.1403del, p.Pro468fs (NM_001005735.3); c.611del, p.Pro204fs (NM_001257387.3, NM_001437942.1); c.1073del, p.Pro358fs (NM_001349956.3); c.1367del, p.Pro456fs (NM_001438293.1); c.1316del, p.Pro439fs (NM_001438294.1); c.1280del, p.Pro427fs (NM_001438295.1); c.1187del, p.Pro396fs (NM_145862.3); short protein forms P427fs, P456fs, P468fs, P358fs, P425fs, P439fs, P204fs, P396fs.
Identifiers: ClinVar variation 4843224 (VCV004843224.1).